The following is an entry in ClinVar:

ClinVar aggregate classification (germline): Likely benign. Review status: criteria provided, multiple submitters, no conflicts (2 of 4 stars). 5 submissions from 5 submitters: Likely benign (4). 1 of the submissions does not count toward it. Last evaluated 2025-09-16.

Conditions:
NIN-related disorder. Also called: NIN-related condition.

Allele frequency attached by ClinVar (database versions not stated): ESP Exome Variant Server 0.00056; 1000 Genomes Project 30x 0.00078; 1000 Genomes Project 0.00080; TOPMed 0.00092; ExAC 0.00131; gnomAD 0.00132 and 0.00133; gnomAD exomes 0.00157 and 0.00161.

Submissions (5):

Labcorp Genetics (formerly Invitae), Labcorp
Classification: Likely benign. Last evaluated: 2025-09-16. Review status: criteria provided, single submitter. Criteria: Invitae Variant Classification Sherloc (09022015). Collection method: clinical testing. Allele origin: germline.

Blueprint Genetics
Classification: Likely benign. Last evaluated: 2024-11-11. Review status: criteria provided, single submitter. Criteria: ACMG Guidelines, 2015. Collection method: clinical testing. Allele origin: germline.

CeGaT Center for Human Genetics Tuebingen
Classification: Likely benign. Last evaluated: 2023-03-01. Review status: criteria provided, single submitter. Criteria: CeGaT Center For Human Genetics Tuebingen Variant Classification Criteria Version 2. Collection method: clinical testing. Allele origin: germline. Affected: yes. Observed: 1 variant allele.
Comment: NIN: BP4, BP7

Breakthrough Genomics
Classification: Likely benign. Review status: criteria provided, single submitter. Criteria: ACMG Guidelines, 2015. Collection method: not provided. Allele origin: germline. Inheritance: Autosomal recessive inheritance. Affected: yes.

PreventionGenetics, part of Exact Sciences
Classification: Likely benign for NIN-related condition. Last evaluated: 2024-09-06. Review status: no assertion criteria provided. Collection method: clinical testing. Allele origin: germline. Not counted in ClinVar's aggregate classification.
Comment: This variant is classified as likely benign based on ACMG/AMP sequence variant interpretation guidelines (Richards et al. 2015 PMID: 25741868, with internal and published modifications).

NM_020921.4(NIN):c.4356A>G (p.Ala1452=)

Gene: NIN (ninein; minus strand). Cytogenetic location: 14q22.1.
Variant type: single nucleotide variant.
Coding change: c.4356A>G on transcript NM_020921.4 (MANE Select); coding-DNA position 4356, A replaced by G.
Protein change: p.Ala1452=; no amino-acid change (alanine 1452 retained).
Molecular consequence: synonymous variant. On other transcripts: intron variant (1).
Genome position (GRCh38, 1-based): chr14:50,756,674, T>C on the plus strand (A>G on the coding strand, the complement: NIN is on the minus strand). VCF-style: chr14-50756674-T-C. GRCh37 (hg19) VCF-style: chr14-51223392-T-C.
Other names: c.4356A>G, p.Ala1452= (NM_182944.3, NM_182946.2); c.2400-1807A>G (NM_016350.5).
Identifiers: ClinVar variation 713997 (VCV000713997.34), dbSNP rs191865109, ClinGen allele CA7181613.
Genomic context (GRCh38, chr14:50,756,674, plus strand): 5'-GACTCTCTCCTTCAACTTCCTAGTCAGCTCCTGTAACTTTGTTTTCTCCAGTTCTAACTC[T>C]GCTATGGTGGCCTGATGCTGAAAATGTTTGTCTTGAAAGCCTAGGAGAGTAGTGTTTTCC-3'
Protein context (NP_065972.4, residues 1442-1462): DKHFQHQATI[Ala1452=]ELELEKTKLQ